The following is an entry in ClinVar:

NM_173598.6(KSR2):c.2439G>T (p.Leu813=)

Gene: KSR2 (kinase suppressor of ras 2; minus strand). Cytogenetic location: 12q24.22.
Variant type: single nucleotide variant.
Coding change: c.2439G>T on transcript NM_173598.6 (MANE Select); coding-DNA position 2439, G replaced by T.
Protein change: p.Leu813=; no amino-acid change (leucine 813 retained).
Molecular consequence: synonymous variant.
Genome position (GRCh38, 1-based): chr12:117,484,427, C>A on the plus strand (G>T on the coding strand, the complement: KSR2 is on the minus strand). VCF-style: chr12-117484427-C-A. GRCh37 (hg19) VCF-style: chr12-117922232-C-A.
Identifiers: ClinVar variation 3354334 (VCV003354334.1).
Genomic context (GRCh38, chr12:117,484,427, plus strand): 5'-TGACCATCATCTGTCAGGAAACTCTCCGGGTCTTCCCACTGCCTCTCACCTGCCAGCCTG[C>A]AGCACCCCAGAAATGCTGAAGAGTCCAAAGTCCGTGATGACCACTTTGCCGTTGTCATAG-3'
Protein context (NP_775869.4, residues 803-823): DFGLFSISGV[Leu813=]QAGRREDKLR

ClinVar aggregate classification (germline): Likely benign (0 of 4 stars; one submission).

Conditions:
KSR2-related disorder. Also called: KSR2-related condition.

Submission:

PreventionGenetics, part of Exact Sciences
Classification: Likely benign for KSR2-related condition. Last evaluated: 2022-10-12. Review status: no assertion criteria provided. Collection method: clinical testing. Allele origin: germline.
Comment: This variant is classified as likely benign based on ACMG/AMP sequence variant interpretation guidelines (Richards et al. 2015 PMID: 25741868, with internal and published modifications).